The following is an entry in ClinVar:

ClinVar aggregate classification (germline): Uncertain significance (1 of 4 stars; one submission).

Conditions:
PMM2-congenital disorder of glycosylation. Also called: CARBOHYDRATE-DEFICIENT GLYCOPROTEIN SYNDROME, TYPE Ia; CDG Ia; JAEKEN SYNDROME; PMM2-CDG; Congenital disorder of glycosylation, type Ia; PHOSPHOMANNOMUTASE 2 DEFICIENCY. Identifiers: Orphanet 79318, MedGen C0349653, MONDO:0008907, OMIM 212065.

Allele frequency attached by ClinVar (database versions not stated): TOPMed below 0.00001; gnomAD 0.00001; gnomAD exomes 0.00002.
gnomAD v4.1: 24 of 1,605,194 alleles (0.0015%); highest among the groups gnomAD compares: Non-Finnish European, 0.002%; no homozygotes.

Submission:

Labcorp Genetics (formerly Invitae), Labcorp
Classification: Uncertain significance for PMM2-congenital disorder of glycosylation. Last evaluated: 2022-11-01. Review status: criteria provided, single submitter. Criteria: Invitae Variant Classification Sherloc (09022015). Collection method: clinical testing. Allele origin: germline.
Comment: This sequence change replaces lysine, which is basic and polar, with glutamic acid, which is acidic and polar, at codon 26 of the PMM2 protein (p.Lys26Glu). This variant is present in population databases (no rsID available, gnomAD 0.002%). This variant has not been reported in the literature in individuals affected with PMM2-related conditions. Advanced modeling of protein sequence and biophysical properties (such as structural, functional, and spatial information, amino acid conservation, physicochemical variation, residue mobility, and thermodynamic stability) performed at Invitae indicates that this missense variant is not expected to disrupt PMM2 protein function. In summary, the available evidence is currently insufficient to determine the role of this variant in disease. Therefore, it has been classified as a Variant of Uncertain Significance.

NM_000303.3(PMM2):c.76A>G (p.Lys26Glu)

Gene: PMM2 (phosphomannomutase 2; plus strand). Cytogenetic location: 16p13.2.
Variant type: single nucleotide variant.
Coding change: c.76A>G on transcript NM_000303.3 (MANE Select); coding-DNA position 76, A replaced by G.
Protein change: p.Lys26Glu; replaces lysine 26 with glutamic acid.
Molecular consequence: missense variant.
Genome position (GRCh38, 1-based): chr16:8,801,808, A>G. VCF-style: chr16-8801808-A-G. GRCh37 (hg19) VCF-style: chr16-8895665-A-G.
Other names: short protein forms K26E.
Identifiers: ClinVar variation 1966278 (VCV001966278.2), dbSNP rs1403917706, ClinGen allele CA394695135.
Genomic context (GRCh38, chr16:8,801,808, plus strand): 5'-CCTGATTATTGTGTGGCTTATGACTGTTGTATTTTCTTTCTTGAAATTTAGAAAATTACC[A>G]AAGAAATGGATGACTTCCTACAAAAATTGAGGCAGAAGATCAAAATCGGAGTGGTAGGCG-3'
Protein context (NP_000294.1, residues 16-36): TLTAPRQKIT[Lys26Glu]EMDDFLQKLR